The following is an entry in ClinVar:

NM_000426.4(LAMA2):c.4118C>T (p.Pro1373Leu)

Gene: LAMA2 (laminin subunit alpha 2; plus strand). Cytogenetic location: 6q22.33.
Variant type: single nucleotide variant.
Coding change: c.4118C>T on transcript NM_000426.4 (MANE Select); coding-DNA position 4118, C replaced by T.
Protein change: p.Pro1373Leu; replaces proline 1373 with leucine.
Molecular consequence: missense variant.
Genome position (GRCh38, 1-based): chr6:129,320,597, C>T. VCF-style: chr6-129320597-C-T. GRCh37 (hg19) VCF-style: chr6-129641742-C-T.
Other names: c.4118C>T (NM_000426.3); c.4118C>T, p.Pro1373Leu (NM_001079823.2); short protein forms P1373L.
Identifiers: ClinVar variation 1684516 (VCV001684516.11), dbSNP rs754163400, ClinGen allele CA3993451.

ClinVar aggregate classification (germline): Uncertain significance. Review status: criteria provided, multiple submitters, no conflicts (2 of 4 stars). 6 submissions from 6 submitters: Uncertain significance (5). 1 of the submissions does not count toward it. Last evaluated 2026-02-05.

Conditions:
LAMA2-related disorder. Also called: LAMA2-related disorders; LAMA2-related condition.
LAMA2-related muscular dystrophy (LAMA2-RD). Also called: Laminin alpha 2-related dystrophy. Identifiers: MedGen C5679788, MONDO:0100228.
Merosin deficient congenital muscular dystrophy (MDC1A). Also called: Congenital merosin-deficient muscular dystrophy 1A; Congenital Muscular Dystrophy Type 1A (MDC1A). Identifiers: Orphanet 258, MedGen C1263858, MONDO:0011925, OMIM 607855.

Allele frequency attached by ClinVar (database versions not stated): ExAC 0.00001; gnomAD exomes 0.00002 and 0.00006; gnomAD 0.00003 and 0.00004; TOPMed 0.00005.
gnomAD v4.1: 91 of 1,613,618 alleles (0.0056%); highest among the groups gnomAD compares: Non-Finnish European, 0.0075%; no homozygotes.

Submissions (6):

GeneDx
Classification: Uncertain significance. Last evaluated: 2026-02-05. Review status: criteria provided, single submitter. Criteria: GeneDx Variant Classification Process June 2021. Collection method: clinical testing. Allele origin: germline. Affected: yes.
Comment: Not observed at significant frequency in large population cohorts (gnomAD); In silico analysis suggests that this missense variant does not alter protein structure/function; Has not been previously published as pathogenic or benign to our knowledge

Women's Health and Genetics/Laboratory Corporation of America, LabCorp
Classification: Uncertain significance. Last evaluated: 2026-01-14. Review status: criteria provided, single submitter. Criteria: LabCorp Variant Classification Summary - May 2015. Collection method: clinical testing. Allele origin: germline.
Comment: Variant summary: LAMA2 c.4118C>T (p.Pro1373Leu) results in a non-conservative amino acid change in the encoded protein sequence. Algorithms developed to predict the effect of missense changes on protein structure and function are either unavailable or do not agree on the potential impact of this missense change. The variant allele was found at a frequency of 2.4e-05 in 251318 control chromosomes. The available data on variant occurrences in the general population are insufficient to allow any conclusion about variant significance. To our knowledge, no occurrence of c.4118C>T in individuals affected with LAMA2-related conditions and no experimental evidence demonstrating its impact on protein function have been reported. ClinVar contains an entry for this variant (Variation ID: 1684516). Based on the evidence outlined above, the variant was classified as uncertain significance.

Labcorp Genetics (formerly Invitae), Labcorp
Classification: Uncertain significance for LAMA2-related muscular dystrophy. Last evaluated: 2022-06-28. Review status: criteria provided, single submitter. Criteria: Invitae Variant Classification Sherloc (09022015). Collection method: clinical testing. Allele origin: germline.
Comment: This sequence change replaces proline, which is neutral and non-polar, with leucine, which is neutral and non-polar, at codon 1373 of the LAMA2 protein (p.Pro1373Leu). This variant is present in population databases (rs754163400, gnomAD 0.005%). This variant has not been reported in the literature in individuals affected with LAMA2-related conditions. Advanced modeling of protein sequence and biophysical properties (such as structural, functional, and spatial information, amino acid conservation, physicochemical variation, residue mobility, and thermodynamic stability) performed at Invitae indicates that this missense variant is not expected to disrupt LAMA2 protein function. In summary, the available evidence is currently insufficient to determine the role of this variant in disease. Therefore, it has been classified as a Variant of Uncertain Significance.

Revvity Omics, Revvity
Classification: Uncertain significance. Last evaluated: 2022-05-12. Review status: criteria provided, single submitter. Criteria: ACMG Guidelines, 2015. Collection method: clinical testing. Allele origin: germline.

HudsonAlpha Institute for Biotechnology
Classification: Uncertain significance for Merosin deficient congenital muscular dystrophy. Last evaluated: 2022-04-20. Review status: criteria provided, single submitter. Criteria: ACMG Guidelines, 2015. Collection method: research. Allele origin: unknown. Observed: 1 variant allele. Study: HudsonAlpha-AGHI-WGS.
Comment: ACMG codes: PM2, BP4

PreventionGenetics, part of Exact Sciences
Classification: Uncertain significance for LAMA2-related condition. Last evaluated: 2023-12-07. Review status: no assertion criteria provided. Collection method: clinical testing. Allele origin: germline. Not counted in ClinVar's aggregate classification.
Comment: The LAMA2 c.4118C>T variant is predicted to result in the amino acid substitution p.Pro1373Leu. To our knowledge, this variant has not been reported in the literature. This variant is reported in 0.0046% of alleles in individuals of European (Non-Finnish) descent in gnomAD. At this time, the clinical significance of this variant is uncertain due to the absence of conclusive functional and genetic evidence.